The following is an entry in ClinVar:

NM_001363711.2(DUOX2):c.4567A>G (p.Thr1523Ala)

Gene: DUOX2 (dual oxidase 2; minus strand). Cytogenetic location: 15q21.1.
Variant type: single nucleotide variant.
Coding change: c.4567A>G on transcript NM_001363711.2 (MANE Select); coding-DNA position 4567, A replaced by G.
Protein change: p.Thr1523Ala; replaces threonine 1523 with alanine.
Molecular consequence: missense variant.
Genome position (GRCh38, 1-based): chr15:45,094,230, T>C on the plus strand (A>G on the coding strand, the complement: DUOX2 is on the minus strand). VCF-style: chr15-45094230-T-C. GRCh37 (hg19) VCF-style: chr15-45386428-T-C.
Other names: c.4567A>G, p.Thr1523Ala (NM_014080.5); short protein forms T1523A.
Identifiers: ClinVar variation 5019856 (VCV005019856.2).

ClinVar aggregate classification (germline): Uncertain significance (1 of 4 stars; one submission).

Conditions:
Thyroid dyshormonogenesis 6 (TDH6). Also called: THYROID HORMONOGENESIS, GENETIC DEFECT IN, 6; HYPOTHYROIDISM, CONGENITAL, DUE TO DYSHORMONOGENESIS, 6; Genetic transient congenital hypothyroidism. Identifiers: Orphanet 226316, Orphanet 95716, MedGen C1846632, MONDO:0011792, OMIM 607200.

gnomAD v4.1: 3 of 1,613,994 alleles (0.00019%); highest among the groups gnomAD compares: East Asian, 0.0067%; no homozygotes.

Submission:

Juno Genomics, Hangzhou Juno Genomics, Inc
Classification: Uncertain significance for Thyroid dyshormonogenesis 6. Review status: criteria provided, single submitter. Criteria: ACMG Guidelines, 2015. Collection method: clinical testing. Allele origin: germline.
Comment: Absent from controls (or at extremely low frequency if recessive) in Genome Aggregation Database.;For recessive disorders, detected in trans with a pathogenic variant.;Patient's phenotype or family history is highly specific for a disease with a single genetic etiology.